The following is an entry in ClinVar:

ClinVar aggregate classification (germline): Uncertain significance (1 of 4 stars; one submission).

Conditions:
Long QT syndrome (LQTS). Identifiers: MedGen C0023976, MeSH D008133, MONDO:0002442. Disease mechanism: loss of function. Inheritance: Various modes of inheritance.

Submission:

All of Us Research Program, National Institutes of Health
Classification: Uncertain significance for Long QT syndrome. Last evaluated: 2023-07-10. Review status: criteria provided, single submitter. Criteria: ACMG Guidelines, 2015. Collection method: clinical testing. Allele origin: germline. Inheritance: Autosomal dominant inheritance. Observed: 1 variant allele, 1 heterozygote.
Comment: This missense variant replaces asparagine with serine at codon 1050 of the KCNH2 protein. Computational prediction suggests that this variant may not impact protein structure and function (internally defined REVEL score threshold <= 0.5, PMID: 27666373). To our knowledge, functional studies have not been reported for this variant. This variant has not been reported in individuals affected with KCNH2-related disorders in the literature. This variant has not been identified in the general population by the Genome Aggregation Database (gnomAD). The available evidence is insufficient to determine the role of this variant in disease conclusively. Therefore, this variant is classified as a Variant of Uncertain Significance.

This study involves interpretation of variants in research participants for the purpose of population health screening. Participant phenotype was not available at the time of variant classification. Additional details can be found in publication PMID: 35346344, PMCID: PMC8962531

NM_000238.4(KCNH2):c.3149A>G (p.Asn1050Ser)

Gene: KCNH2 (potassium voltage-gated channel subfamily H member 2; minus strand). Cytogenetic location: 7q36.1.
Variant type: single nucleotide variant.
Coding change: c.3149A>G on transcript NM_000238.4 (MANE Select); coding-DNA position 3149, A replaced by G.
Protein change: p.Asn1050Ser; replaces asparagine 1050 with serine.
Molecular consequence: missense variant. On other transcripts: non-coding transcript variant (2).
Genome position (GRCh38, 1-based): chr7:150,947,331, T>C on the plus strand (A>G on the coding strand, the complement: KCNH2 is on the minus strand). VCF-style: chr7-150947331-T-C. GRCh37 (hg19) VCF-style: chr7-150644419-T-C.
Other names: c.2861A>G, p.Asn954Ser (NM_001406753.1); c.2129A>G, p.Asn710Ser (NM_172057.3); short protein forms N1050S, N710S, N954S.
Identifiers: ClinVar variation 3072362 (VCV003072362.1), dbSNP rs2486003113, ClinGen allele CA369852480.
Genomic context (GRCh38, chr7:150,947,331, plus strand): 5'-CCAGGACCTGGACCAGACTCCAGGGCGTGCCCCCCCACCCCACCTGCACTCCCTCACCTG[T>C]TGAGCTGGCGCTGGAGGGCATCCAGCCTGCTCTCCACGTCGCCCCGGGGCCGCCGACCCG-3'
Protein context (NP_000229.1, residues 1040-1060): SRLDALQRQL[Asn1050Ser]RLETRLSADM